The following is an entry in ClinVar:

NM_182641.4(BPTF):c.429GGA[8] (p.Glu148_Asp149insGluGlu)

Genes: BPTF (bromodomain PHD finger transcription factor; plus strand), LOC130061496 (ATAC-STARR-seq lymphoblastoid active region 12632; plus strand). Cytogenetic location: 17q24.2.
Variant type: Microsatellite.
Coding change: c.429GGA[8] on transcript NM_182641.4 (MANE Select); eight copies in a row of the 3-base unit GGA starting at c.429; the reference has six copies in a row; two copies, 6 bases duplicated.
Protein change: p.Glu148_Asp149insGluGlu.
Molecular consequence: inframe insertion.
Genome position (GRCh38, 1-based): chr17:67,826,165-67,826,170, GGAGGA duplicated; duplicating any 6 consecutive bases within chr17:67,826,151-67,826,170 gives the same sequence; the position shown is the placement nearest the transcript's 3' end. VCF-style (leftmost placement, unchanged base first): chr17-67826150-C-CGAGGAG. GRCh37 (hg19) VCF-style: chr17-65822266-C-CGAGGAG.
Other names: c.429GGA[8], p.Glu148_Asp149insGluGlu (NM_004459.7); c.441_446dup6 (NM_182641.3).
Identifiers: ClinVar variation 1971233 (VCV001971233.7), dbSNP rs751039972, ClinGen allele CA8724975.

ClinVar aggregate classification (germline): Likely benign. Review status: criteria provided, single submitter (1 of 4 stars). 2 submissions from 2 submitters: Likely benign (1). 1 of the submissions does not count toward it. Last evaluated 2024-09-05.

Conditions:
BPTF-related disorder. Also called: BPTF-related condition.

Submissions (2):

Labcorp Genetics (formerly Invitae), Labcorp
Classification: Likely benign. Last evaluated: 2024-09-05. Review status: criteria provided, single submitter. Criteria: Invitae Variant Classification Sherloc (09022015). Collection method: clinical testing. Allele origin: germline.

PreventionGenetics, part of Exact Sciences
Classification: Likely benign for BPTF-related condition. Last evaluated: 2019-03-20. Review status: no assertion criteria provided. Collection method: clinical testing. Allele origin: germline. Not counted in ClinVar's aggregate classification.
Comment: This variant is classified as likely benign based on ACMG/AMP sequence variant interpretation guidelines (Richards et al. 2015 PMID: 25741868, with internal and published modifications).